The following is an entry in ClinVar:

ClinVar aggregate classification (germline): Uncertain significance (1 of 4 stars; one submission).

Submission:

GeneDx
Classification: Uncertain significance. Last evaluated: 2024-08-16. Review status: criteria provided, single submitter. Criteria: GeneDx Variant Classification Process June 2021. Collection method: clinical testing. Allele origin: germline. Affected: yes.
Comment: Not observed at significant frequency in large population cohorts (gnomAD); In silico analysis supports that this missense variant has a deleterious effect on protein structure/function; Has not been previously published as pathogenic or benign to our knowledge

NM_007325.5(GRIA3):c.2678A>C (p.Lys893Thr)

Gene: GRIA3 (glutamate ionotropic receptor AMPA type subunit 3; plus strand). Cytogenetic location: Xq25.
Variant type: single nucleotide variant.
Coding change: c.2678A>C on transcript NM_007325.5 (MANE Select); coding-DNA position 2678, A replaced by C.
Protein change: p.Lys893Thr; replaces lysine 893 with threonine.
Molecular consequence: missense variant.
Genome position (GRCh38, 1-based): chrX:123,483,037, A>C. VCF-style: chrX-123483037-A-C. GRCh37 (hg19) VCF-style: chrX-122616888-A-C.
Other names: c.2678A>C, p.Lys893Thr (NM_000828.5); short protein forms K893T.
Identifiers: ClinVar variation 3731255 (VCV003731255.1).